The following is an entry in ClinVar:

ClinVar aggregate classification (germline): Likely benign (0 of 4 stars; one submission).

Conditions:
SDK2-related disorder. Also called: SDK2-related condition.

Allele frequency attached by ClinVar (database versions not stated): gnomAD 0.00001; gnomAD exomes 0.00001; TOPMed 0.00002; ExAC 0.00004.
gnomAD v4.1: 17 of 1,558,442 alleles (0.0011%); highest among the groups gnomAD compares: African/African-American, 0.0055%; no homozygotes.

Submission:

PreventionGenetics, part of Exact Sciences
Classification: Likely benign for SDK2-related condition. Last evaluated: 2019-09-19. Review status: no assertion criteria provided. Collection method: clinical testing. Allele origin: germline.
Comment: This variant is classified as likely benign based on ACMG/AMP sequence variant interpretation guidelines (Richards et al. 2015 PMID: 25741868, with internal and published modifications).

NM_001144952.2(SDK2):c.4923C>T (p.Asp1641=)

Gene: SDK2 (sidekick cell adhesion molecule 2; minus strand). Cytogenetic location: 17q25.1.
Variant type: single nucleotide variant.
Coding change: c.4923C>T on transcript NM_001144952.2 (MANE Select); coding-DNA position 4923, C replaced by T.
Protein change: p.Asp1641=; no amino-acid change (aspartic acid 1641 retained).
Molecular consequence: synonymous variant.
Genome position (GRCh38, 1-based): chr17:73,379,234, G>A on the plus strand (C>T on the coding strand, the complement: SDK2 is on the minus strand). VCF-style: chr17-73379234-G-A. GRCh37 (hg19) VCF-style: chr17-71375373-G-A.
Identifiers: ClinVar variation 3040084 (VCV003040084.2), dbSNP rs778945510, ClinGen allele CA8742570.